The following is an entry in ClinVar:

ClinVar aggregate classification (germline): Pathogenic (1 of 4 stars; one submission).

Conditions:
Tatton-Brown-Rahman overgrowth syndrome. Also called: Tall stature-intellectual disability-facial dysmorphism syndrome; Tatton-Brown-Rahman syndrome. Identifiers: Orphanet 404443, MedGen C4014545, MONDO:0014382, OMIM 615879.

gnomAD v4.1: 5 of 1,614,068 alleles (0.00031%); highest among the groups gnomAD compares: Non-Finnish European, 0.00042%; no homozygotes.

Submission:

Labcorp Genetics (formerly Invitae), Labcorp
Classification: Pathogenic for Tatton-Brown-Rahman overgrowth syndrome. Last evaluated: 2025-08-12. Review status: criteria provided, single submitter. Criteria: Invitae Variant Classification Sherloc (09022015). Collection method: clinical testing. Allele origin: germline.
Comment: This sequence change creates a premature translational stop signal (p.Trp698*) in the DNMT3A gene. It is expected to result in an absent or disrupted protein product. Loss-of-function variants in DNMT3A are known to be pathogenic (PMID: 24614070). This variant is present in population databases (no rsID available, gnomAD 0.0009%). This variant has not been reported in the literature in individuals affected with DNMT3A-related conditions. ClinVar contains an entry for this variant (Variation ID: 3695646). For these reasons, this variant has been classified as Pathogenic.

Literature cited by the submitters: PubMed 24614070.

NM_022552.5(DNMT3A):c.2093G>A (p.Trp698Ter)

Gene: DNMT3A (DNA methyltransferase 3 alpha; minus strand). Cytogenetic location: 2p23.3.
Variant type: single nucleotide variant.
Coding change: c.2093G>A on transcript NM_022552.5 (MANE Select); coding-DNA position 2093, G replaced by A.
Protein change: p.Trp698Ter; replaces tryptophan 698 with a stop codon.
Molecular consequence: nonsense. On other transcripts: non-coding transcript variant (1).
Genome position (GRCh38, 1-based): chr2:25,240,720, C>T on the plus strand (G>A on the coding strand, the complement: DNMT3A is on the minus strand). VCF-style: chr2-25240720-C-T. GRCh37 (hg19) VCF-style: chr2-25463589-C-T.
Other names: c.1637G>A, p.Trp546Ter (NM_001320893.1); c.1424G>A, p.Trp475Ter (NM_001375819.1); c.1526G>A, p.Trp509Ter (NM_153759.3); c.2093G>A, p.Trp698Ter (NM_175629.2); short protein forms W546*, W509*, W698*, W475*.
Identifiers: ClinVar variation 3695646 (VCV003695646.2).